The following is an entry in ClinVar:

NM_005591.4(MRE11):c.1334A>G (p.Gln445Arg)

Gene: MRE11 (MRE11 double strand break repair nuclease; minus strand). Cytogenetic location: 11q21.
Variant type: single nucleotide variant.
Coding change: c.1334A>G on transcript NM_005591.4 (MANE Select); coding-DNA position 1334, A replaced by G.
Protein change: p.Gln445Arg; replaces glutamine 445 with arginine.
Molecular consequence: missense variant.
Genome position (GRCh38, 1-based): chr11:94,459,574, T>C on the plus strand (A>G on the coding strand, the complement: MRE11 is on the minus strand). VCF-style: chr11-94459574-T-C. GRCh37 (hg19) VCF-style: chr11-94192740-T-C.
Other names: c.1334A>G, p.Gln445Arg (NM_001330347.2, NM_005590.4); short protein forms Q445R.
Identifiers: ClinVar variation 142523 (VCV000142523.17), dbSNP rs371730091, ClinGen allele CA168621.

ClinVar aggregate classification (germline): Uncertain significance. Review status: criteria provided, multiple submitters, no conflicts (2 of 4 stars). 7 submissions from 7 submitters: Uncertain significance (7). Last evaluated 2025-09-06.

Conditions:
Ataxia-telangiectasia-like disorder (ATLD). Identifiers: MedGen C1858391, MONDO:0011457.
Hereditary cancer-predisposing syndrome. Also called: Hereditary Cancer Syndrome; Neoplastic Syndromes, Hereditary; Hereditary neoplastic syndrome; Tumor predisposition. Identifiers: Orphanet 140162, MedGen C0027672, MeSH D009386, MONDO:0015356.
Ataxia-telangiectasia-like disorder 1 (ATLD1). Identifiers: Orphanet 251347, MedGen C4012790, MONDO:0024557, OMIM 604391.

Allele frequency attached by ClinVar (database versions not stated): ExAC 0.00002; gnomAD exomes 0.00002; ESP Exome Variant Server 0.00008; gnomAD 0.00013 and 0.00014; TOPMed 0.00019.
gnomAD v4.1: 30 of 1,613,802 alleles (0.0019%); highest among the groups gnomAD compares: African/African-American, 0.035%; 1 homozygote.

Submissions (7):

Ambry Genetics
Classification: Uncertain significance for Hereditary cancer-predisposing syndrome. Last evaluated: 2025-09-06. Review status: criteria provided, single submitter. Criteria: Ambry Variant Classification Scheme 2023. Collection method: clinical testing. Allele origin: germline.
Comment: The p.Q445R variant (also known as c.1334A>G), located in coding exon 12 of the MRE11A gene, results from an A to G substitution at nucleotide position 1334. The glutamine at codon 445 is replaced by arginine, an amino acid with highly similar properties. This amino acid position is highly conserved in available vertebrate species. In addition, the in silico prediction for this alteration is inconclusive. Since supporting evidence is limited at this time, the clinical significance of this alteration remains unclear.

GeneDx
Classification: Uncertain significance. Last evaluated: 2024-11-03. Review status: criteria provided, single submitter. Criteria: GeneDx Variant Classification Process June 2021. Collection method: clinical testing. Allele origin: germline. Affected: yes.
Comment: In silico analysis indicates that this missense variant does not alter protein structure/function; Has not been previously published as pathogenic or benign to our knowledge; In silico analysis suggests this variant may impact gene splicing. In the absence of RNA/functional studies, the actual effect of this sequence change is unknown; This variant is associated with the following publications: (PMID: 33471991)

Labcorp Genetics (formerly Invitae), Labcorp
Classification: Uncertain significance for Ataxia-telangiectasia-like disorder. Last evaluated: 2024-06-19. Review status: criteria provided, single submitter. Criteria: Invitae Variant Classification Sherloc (09022015). Collection method: clinical testing. Allele origin: germline.
Comment: This sequence change replaces glutamine, which is neutral and polar, with arginine, which is basic and polar, at codon 445 of the MRE11 protein (p.Gln445Arg). This variant is present in population databases (rs371730091, gnomAD 0.04%). This variant has not been reported in the literature in individuals affected with MRE11-related conditions. ClinVar contains an entry for this variant (Variation ID: 142523). An algorithm developed to predict the effect of missense changes on protein structure and function (PolyPhen-2) suggests that this variant is likely to be tolerated. In summary, the available evidence is currently insufficient to determine the role of this variant in disease. Therefore, it has been classified as a Variant of Uncertain Significance.

Baylor Genetics
Classification: Uncertain significance for Ataxia-telangiectasia-like disorder 1. Last evaluated: 2023-06-28. Review status: criteria provided, single submitter. Criteria: ACMG Guidelines, 2015. Collection method: clinical testing. Allele origin: unknown.

Athena Diagnostics
Classification: Uncertain significance. Last evaluated: 2019-03-28. Review status: criteria provided, single submitter. Criteria: Athena Diagnostics Criteria. Collection method: clinical testing. Allele origin: germline.

Quest Diagnostics Nichols Institute San Juan Capistrano
Classification: Uncertain significance. Last evaluated: 2019-03-28. Review status: criteria provided, single submitter. Criteria: Quest Diagnostics criteria. Collection method: clinical testing. Allele origin: unknown.
Comment: The frequency of this variant in the general population, 0.00036 (9/24970 chromosomes in African/African-American subpopulation), is higher than would generally be expected for pathogenic variants in this gene. In a large scale breast cancer association study, the variant was observed in a control individual and not among the breast cancer cases (PMID: 33471991 (2021), see also LOVD). Analysis of this variant using bioinformatics tools for the prediction of the effect of amino acid changes on protein structure and function yielded conflicting predictions that this variant is disease causing or benign. Based on the available information, we are unable to determine the clinical significance of this variant.

Fulgent Genetics
Classification: Uncertain significance for Ataxia-telangiectasia-like disorder 1. Last evaluated: 2018-10-31. Review status: criteria provided, single submitter. Criteria: ACMG Guidelines, 2015. Collection method: clinical testing. Allele origin: unknown.

Literature cited by the submitters: PubMed 33471991 (cited by Quest Diagnostics Nichols Institute San Juan Capistrano).